The following is an entry in ClinVar:

NM_003579.4(RAD54L):c.1319G>A (p.Gly440Asp)

Gene: RAD54L (RAD54 like; plus strand). Cytogenetic location: 1p34.1.
Variant type: single nucleotide variant.
Coding change: c.1319G>A on transcript NM_003579.4 (MANE Select); coding-DNA position 1319, G replaced by A.
Protein change: p.Gly440Asp; replaces glycine 440 with aspartic acid.
Molecular consequence: missense variant.
Genome position (GRCh38, 1-based): chr1:46,272,746, G>A. VCF-style: chr1-46272746-G-A. GRCh37 (hg19) VCF-style: chr1-46738418-G-A.
Other names: c.1319G>A, p.Gly440Asp (NM_001142548.2); c.779G>A, p.Gly260Asp (NM_001370766.1); short protein forms G440D, G260D.
Identifiers: ClinVar variation 3312436 (VCV003312436.1).
Genomic context (GRCh38, chr1:46,272,746, plus strand): 5'-AGACTGAGTTATACAAGAGGTTTCTGAGACAAGCCAAACCGGCAGAAGAATTGCTTGAGG[G>A]CAAGATGAGTGTGTCTTCCCTTTCTTCCATCACCTCGCTAAAGAAGCTTTGTAATCGTGA-3'
Protein context (NP_003570.2, residues 430-450): QAKPAEELLE[Gly440Asp]KMSVSSLSSI

ClinVar aggregate classification (germline): Uncertain significance (1 of 4 stars; one submission).

Submission:

Ambry Genetics
Classification: Uncertain significance. Last evaluated: 2024-06-22. Review status: criteria provided, single submitter. Criteria: Ambry Variant Classification Scheme 2023. Collection method: clinical testing. Allele origin: germline.
Comment: The p.G440D variant (also known as c.1319G>A), located in coding exon 12 of the RAD54L gene, results from a G to A substitution at nucleotide position 1319. The glycine at codon 440 is replaced by aspartic acid, an amino acid with similar properties. This amino acid position is conserved. In addition, this alteration is predicted to be tolerated by in silico analysis. Based on the available evidence, the clinical significance of this variant remains unclear.